The following is an entry in ClinVar:

NM_152564.5(VPS13B):c.11191T>A (p.Ser3731Thr)

Gene: VPS13B (vacuolar protein sorting 13 homolog B; plus strand). Cytogenetic location: 8q22.2.
Variant type: single nucleotide variant.
Coding change: c.11191T>A on transcript NM_152564.5 (MANE Select); coding-DNA position 11191, T replaced by A.
Protein change: p.Ser3731Thr; replaces serine 3731 with threonine.
Molecular consequence: missense variant.
Genome position (GRCh38, 1-based): chr8:99,861,922, T>A. VCF-style: chr8-99861922-T-A. GRCh37 (hg19) VCF-style: chr8-100874150-T-A.
Other names: c.11266T>A, p.Ser3756Thr (NM_017890.5); short protein forms S3731T, S3756T.
Identifiers: ClinVar variation 3347911 (VCV003347911.1).

ClinVar aggregate classification (germline): Uncertain significance (0 of 4 stars; one submission).

Conditions:
VPS13B-related disorder. Also called: VPS13B-related condition.

gnomAD v4.1: 6 of 1,596,096 alleles (0.00038%); highest among the groups gnomAD compares: South Asian, 0.0023%; no homozygotes.

Submission:

PreventionGenetics, part of Exact Sciences
Classification: Uncertain significance for VPS13B-related condition. Last evaluated: 2024-06-23. Review status: no assertion criteria provided. Collection method: clinical testing. Allele origin: germline.
Comment: The VPS13B c.11191T>A variant is predicted to result in the amino acid substitution p.Ser3731Thr. To our knowledge, this variant has not been reported in the literature or in a large population database, indicating this variant is rare. At this time, the clinical significance of this variant is uncertain due to the absence of conclusive functional and genetic evidence.